The following is an entry in ClinVar:

ClinVar aggregate classification (germline): Uncertain significance. Review status: criteria provided, single submitter (1 of 4 stars). 3 submissions from 3 submitters: Uncertain significance (1). 2 of the submissions do not count toward it. Last evaluated 2025-11-11.

Allele frequency attached by ClinVar (database versions not stated): gnomAD exomes 0.00002 and 0.00005; ExAC 0.00004; gnomAD 0.00004.
gnomAD v4.1: 73 of 1,593,180 alleles (0.0046%); highest among the groups gnomAD compares: South Asian, 0.0068%; no homozygotes.

Submissions (3):

Labcorp Genetics (formerly Invitae), Labcorp
Classification: Uncertain significance. Last evaluated: 2025-11-11. Review status: criteria provided, single submitter. Criteria: Invitae Variant Classification Sherloc (09022015). Collection method: clinical testing. Allele origin: germline.
Comment: This sequence change replaces arginine, which is basic and polar, with tryptophan, which is neutral and slightly polar, at codon 2962 of the DCHS1 protein (p.Arg2962Trp). The frequency data for this variant in the population databases is considered unreliable, as metrics indicate poor data quality at this position in the gnomAD database. This variant has not been reported in the literature in individuals affected with DCHS1-related conditions. ClinVar contains an entry for this variant (Variation ID: 1174633). Invitae Evidence Modeling of protein sequence and biophysical properties (such as structural, functional, and spatial information, amino acid conservation, physicochemical variation, residue mobility, and thermodynamic stability) indicates that this missense variant is not expected to disrupt DCHS1 protein function with a negative predictive value of 95%. In summary, the available evidence is currently insufficient to determine the role of this variant in disease. Therefore, it has been classified as a Variant of Uncertain Significance.

Diagnostic Laboratory, Department of Genetics, University Medical Center Groningen
Classification: Uncertain significance. Review status: no assertion criteria provided. Collection method: clinical testing. Allele origin: germline. Affected: yes. Study: VKGL Data-share Consensus. Not counted in ClinVar's aggregate classification.

Laboratory of Diagnostic Genome Analysis, Leiden University Medical Center (LUMC)
Classification: Uncertain significance. Review status: no assertion criteria provided. Collection method: clinical testing. Allele origin: germline. Affected: yes. Study: VKGL Data-share Consensus. Not counted in ClinVar's aggregate classification.

NM_003737.4(DCHS1):c.8884C>T (p.Arg2962Trp)

Gene: DCHS1 (dachsous cadherin-related 1; minus strand). Cytogenetic location: 11p15.4.
Variant type: single nucleotide variant.
Coding change: c.8884C>T on transcript NM_003737.4 (MANE Select); coding-DNA position 8884, C replaced by T.
Protein change: p.Arg2962Trp; replaces arginine 2962 with tryptophan.
Molecular consequence: missense variant.
Genome position (GRCh38, 1-based): chr11:6,622,792, G>A on the plus strand (C>T on the coding strand, the complement: DCHS1 is on the minus strand). VCF-style: chr11-6622792-G-A. GRCh37 (hg19) VCF-style: chr11-6644023-G-A.
Other names: short protein forms R2962W.
Identifiers: ClinVar variation 1174633 (VCV001174633.9), dbSNP rs567880738, ClinGen allele CA5859343.